The following is an entry in ClinVar:

ClinVar aggregate classification (germline): Conflicting classifications of pathogenicity. Review status: criteria provided, conflicting classifications (1 of 4 stars). 3 submissions from 3 submitters: Uncertain significance (2); Likely benign (1). Last evaluated 2024-03-06.

Conditions:
Hereditary cancer-predisposing syndrome. Also called: Neoplastic Syndromes, Hereditary; Hereditary Cancer Syndrome; Tumor predisposition; Hereditary neoplastic syndrome. Identifiers: Orphanet 140162, MedGen C0027672, MeSH D009386, MONDO:0015356.

Submissions (3):

Color Diagnostics, LLC DBA Color Health
Classification: Uncertain significance for Hereditary cancer-predisposing syndrome. Last evaluated: 2024-03-06. Review status: criteria provided, single submitter. Criteria: ACMG Guidelines, 2015. Collection method: clinical testing. Allele origin: germline.
Comment: This missense variant replaces serine with arginine at codon 2018 of the BRCA2 protein. Computational prediction suggests that this variant may not impact protein structure and function (internally defined REVEL score threshold <= 0.5, PMID: 27666373). To our knowledge, functional studies have not been reported for this variant. This variant has not been reported in individuals affected with hereditary cancer in the literature. This variant has not been identified in the general population by the Genome Aggregation Database (gnomAD). The available evidence is insufficient to determine the role of this variant in disease conclusively. Therefore, this variant is classified as a Variant of Uncertain Significance.

Ambry Genetics
Classification: Uncertain significance for Hereditary cancer-predisposing syndrome. Last evaluated: 2023-09-11. Review status: criteria provided, single submitter. Criteria: Ambry Variant Classification Scheme 2023. Collection method: clinical testing. Allele origin: germline.
Comment: The p.S2018R variant (also known as c.6054T>A), located in coding exon 10 of the BRCA2 gene, results from a T to A substitution at nucleotide position 6054. The serine at codon 2018 is replaced by arginine, an amino acid with dissimilar properties. This amino acid position is poorly conserved in available vertebrate species. In addition, this alteration is predicted to be tolerated by in silico analysis. Since supporting evidence is limited at this time, the clinical significance of this alteration remains unclear.

University of Washington Department of Laboratory Medicine, University of Washington
Classification: Likely benign for Hereditary cancer-predisposing syndrome. Last evaluated: 2023-03-23. Review status: criteria provided, single submitter. Criteria: Dines et al. (Genet Med. 2020). Collection method: curation. Allele origin: germline.
Comment: Missense variant in a coldspot region where missense variants are very unlikely to be pathogenic (PMID:31911673).

BRCA2 exon 11 coldspot. Reclassification based on statistical prior probability.

NM_000059.4(BRCA2):c.6054T>A (p.Ser2018Arg)

Gene: BRCA2 (BRCA2 DNA repair associated; plus strand). Cytogenetic location: 13q13.1.
Variant type: single nucleotide variant.
Coding change: c.6054T>A on transcript NM_000059.4 (MANE Select); coding-DNA position 6054, T replaced by A.
Protein change: p.Ser2018Arg; replaces serine 2018 with arginine.
Molecular consequence: missense variant.
Genome position (GRCh38, 1-based): chr13:32,340,409, T>A. VCF-style: chr13-32340409-T-A. GRCh37 (hg19) VCF-style: chr13-32914546-T-A.
Other names: short protein forms S2018R.
Identifiers: ClinVar variation 928025 (VCV000928025.8), dbSNP rs540799830, ClinGen allele CA387787893.